The following is an entry in ClinVar:

ClinVar aggregate classification (germline): Uncertain significance (1 of 4 stars; one submission).

gnomAD v4.1: 3 of 1,614,176 alleles (0.00019%); highest among the groups gnomAD compares: African/African-American, 0.004%; no homozygotes.

Submission:

Labcorp Genetics (formerly Invitae), Labcorp
Classification: Uncertain significance. Last evaluated: 2023-10-03. Review status: criteria provided, single submitter. Criteria: Invitae Variant Classification Sherloc (09022015). Collection method: clinical testing. Allele origin: germline.
Comment: This sequence change replaces asparagine, which is neutral and polar, with threonine, which is neutral and polar, at codon 834 of the LAMB1 protein (p.Asn834Thr). This variant is not present in population databases (gnomAD no frequency). This variant has not been reported in the literature in individuals affected with LAMB1-related conditions. ClinVar contains an entry for this variant (Variation ID: 1908543). An algorithm developed to predict the effect of missense changes on protein structure and function (PolyPhen-2) suggests that this variant is likely to be tolerated. In summary, the available evidence is currently insufficient to determine the role of this variant in disease. Therefore, it has been classified as a Variant of Uncertain Significance.

NM_002291.3(LAMB1):c.2501A>C (p.Asn834Thr)

Gene: LAMB1 (laminin subunit beta 1; minus strand). Cytogenetic location: 7q31.1.
Variant type: single nucleotide variant.
Coding change: c.2501A>C on transcript NM_002291.3 (MANE Select); coding-DNA position 2501, A replaced by C.
Protein change: p.Asn834Thr; replaces asparagine 834 with threonine.
Molecular consequence: missense variant.
Genome position (GRCh38, 1-based): chr7:107,959,438, T>G on the plus strand (A>C on the coding strand, the complement: LAMB1 is on the minus strand). VCF-style: chr7-107959438-T-G. GRCh37 (hg19) VCF-style: chr7-107599883-T-G.
Other names: short protein forms N834T.
Identifiers: ClinVar variation 1908543 (VCV001908543.5), dbSNP rs552782957, ClinGen allele CA368867274.